The following is an entry in ClinVar:

ClinVar aggregate classification (germline): Uncertain significance (1 of 4 stars; one submission).

gnomAD v4.1: 4 of 1,614,188 alleles (0.00025%); highest among the groups gnomAD compares: Non-Finnish European, 0.00034%; no homozygotes.

Submission:

GeneDx
Classification: Uncertain significance. Last evaluated: 2025-06-18. Review status: criteria provided, single submitter. Criteria: GeneDx Variant Classification Process June 2021. Collection method: clinical testing. Allele origin: germline. Affected: yes.
Comment: Not observed at significant frequency in large population cohorts (gnomAD); In silico analysis suggests that this missense variant does not alter protein structure/function; Has not been previously published as pathogenic or benign to our knowledge

NM_000176.3(NR3C1):c.993G>A (p.Met331Ile)

Gene: NR3C1 (nuclear receptor subfamily 3 group C member 1; minus strand). Cytogenetic location: 5q31.3.
Variant type: single nucleotide variant.
Coding change: c.993G>A on transcript NM_000176.3 (MANE Select); coding-DNA position 993, G replaced by A.
Protein change: p.Met331Ile; replaces methionine 331 with isoleucine.
Molecular consequence: missense variant. On other transcripts: initiator codon variant (1), 5 prime UTR variant (1).
Genome position (GRCh38, 1-based): chr5:143,399,847, C>T on the plus strand (G>A on the coding strand, the complement: NR3C1 is on the minus strand). VCF-style: chr5-143399847-C-T. GRCh37 (hg19) VCF-style: chr5-142779412-C-T.
Other names: c.993G>A, p.Met331Ile (NM_001018074.1, NM_001018075.1, NM_001018076.2 and 10 more transcripts); c.915G>A, p.Met305Ile (NM_001204258.2); c.738G>A, p.Met246Ile (NM_001204259.2); c.726G>A, p.Met242Ile (NM_001204260.2); c.702G>A, p.Met234Ile (NM_001204261.2); c.48G>A, p.Met16Ile (NM_001204262.2); c.3G>A, p.Met1Ile (NM_001204263.2); c.-13G>A (NM_001204264.2); short protein forms M16I, M1I, M234I, M242I, M246I, M305I, M331I.
Identifiers: ClinVar variation 4540165 (VCV004540165.1).